The following is an entry in ClinVar:

NM_016239.4(MYO15A):c.6454G>A (p.Ala2152Thr)

Gene: MYO15A (myosin XVA; plus strand). Cytogenetic location: 17p11.2.
Variant type: single nucleotide variant.
Coding change: c.6454G>A on transcript NM_016239.4 (MANE Select); coding-DNA position 6454, G replaced by A.
Protein change: p.Ala2152Thr; replaces alanine 2152 with threonine.
Molecular consequence: missense variant.
Genome position (GRCh38, 1-based): chr17:18,146,052, G>A. VCF-style: chr17-18146052-G-A. GRCh37 (hg19) VCF-style: chr17-18049366-G-A.
Other names: short protein forms A2152T.
Identifiers: ClinVar variation 2461766 (VCV002461766.4), dbSNP rs764315115, ClinGen allele CA8424589.
Genomic context (GRCh38, chr17:18,146,052, plus strand): 5'-GCCAATCAGGTGTGGCACAATCACAATGCCCACAATGCTGAGCGGGGCTGGCTGCTGCTG[G>A]CCGCCTGCCTCAGTGGCTTTGCACCTTCCCCGTGCTTCAACAAGTACCTTCTCAAGTGAG-3'
Protein context (NP_057323.3, residues 2142-2162): HNAERGWLLL[Ala2152Thr]ACLSGFAPSP

ClinVar aggregate classification (germline): Uncertain significance. Review status: criteria provided, multiple submitters, no conflicts (2 of 4 stars). 2 submissions from 2 submitters: Uncertain significance (2). Last evaluated 2025-07-02.

Conditions:
Inborn genetic diseases. Identifiers: MedGen C0950123, MeSH D030342.

Allele frequency attached by ClinVar (database versions not stated): gnomAD exomes 0.00005; gnomAD 0.00001; TOPMed 0.00002; ExAC 0.00005.
gnomAD v4.1: 68 of 1,613,696 alleles (0.0042%); highest among the groups gnomAD compares: Non-Finnish European, 0.0055%; no homozygotes.

Submissions (2):

Ambry Genetics
Classification: Uncertain significance for Inborn genetic diseases. Last evaluated: 2025-07-02. Review status: criteria provided, single submitter. Criteria: Ambry Variant Classification Scheme 2023. Collection method: clinical testing. Allele origin: germline.

GeneDx
Classification: Uncertain significance. Last evaluated: 2024-11-05. Review status: criteria provided, single submitter. Criteria: GeneDx Variant Classification Process June 2021. Collection method: clinical testing. Allele origin: germline. Affected: yes.
Comment: In silico analysis indicates that this missense variant does not alter protein structure/function; Has not been previously published as pathogenic or benign to our knowledge